The following is an entry in ClinVar:

NM_014055.4(IFT81):c.412G>T (p.Ala138Ser)

Gene: IFT81 (intraflagellar transport 81; plus strand). Cytogenetic location: 12q24.11.
Variant type: single nucleotide variant.
Coding change: c.412G>T on transcript NM_014055.4 (MANE Select); coding-DNA position 412, G replaced by T.
Protein change: p.Ala138Ser; replaces alanine 138 with serine.
Molecular consequence: missense variant. On other transcripts: 5 prime UTR variant (2), non-coding transcript variant (4).
Genome position (GRCh38, 1-based): chr12:110,129,113, G>T. VCF-style: chr12-110129113-G-T. GRCh37 (hg19) VCF-style: chr12-110566918-G-T.
Other names: c.412G>T, p.Ala138Ser (NM_001143779.2, NM_001347946.2, NM_031473.4); c.-355G>T (NM_001347947.2, NM_001347948.2); short protein forms A138S.
Identifiers: ClinVar variation 2060998 (VCV002060998.2), dbSNP rs776425315, ClinGen allele CA6783067.

ClinVar aggregate classification (germline): Uncertain significance (1 of 4 stars; one submission).

Allele frequency attached by ClinVar (database versions not stated): ExAC 0.00001; TOPMed 0.00001.
gnomAD v4.1: 7 of 1,597,534 alleles (0.00044%); highest among the groups gnomAD compares: Middle Eastern, 0.033%; no homozygotes.

Submission:

Labcorp Genetics (formerly Invitae), Labcorp
Classification: Uncertain significance. Last evaluated: 2024-11-24. Review status: criteria provided, single submitter. Criteria: Invitae Variant Classification Sherloc (09022015). Collection method: clinical testing. Allele origin: germline.
Comment: This sequence change replaces alanine, which is neutral and non-polar, with serine, which is neutral and polar, at codon 138 of the IFT81 protein (p.Ala138Ser). This variant is present in population databases (rs776425315, gnomAD 0.007%). This variant has not been reported in the literature in individuals affected with IFT81-related conditions. ClinVar contains an entry for this variant (Variation ID: 2060998). Invitae Evidence Modeling of protein sequence and biophysical properties (such as structural, functional, and spatial information, amino acid conservation, physicochemical variation, residue mobility, and thermodynamic stability) indicates that this missense variant is not expected to disrupt IFT81 protein function with a negative predictive value of 80%. In summary, the available evidence is currently insufficient to determine the role of this variant in disease. Therefore, it has been classified as a Variant of Uncertain Significance.